The following is an entry in ClinVar:

NM_000138.5(FBN1):c.3574A>G (p.Arg1192Gly)

Gene: FBN1 (fibrillin 1; minus strand). Cytogenetic location: 15q21.1.
Variant type: single nucleotide variant.
Coding change: c.3574A>G on transcript NM_000138.5 (MANE Select); coding-DNA position 3574, A replaced by G.
Protein change: p.Arg1192Gly; replaces arginine 1192 with glycine.
Molecular consequence: missense variant.
Genome position (GRCh38, 1-based): chr15:48,487,090, T>C on the plus strand (A>G on the coding strand, the complement: FBN1 is on the minus strand). VCF-style: chr15-48487090-T-C. GRCh37 (hg19) VCF-style: chr15-48779287-T-C.
Other names: short protein forms R1192G.
Identifiers: ClinVar variation 885169 (VCV000885169.7), dbSNP rs2043513994, ClinGen allele CA392324903.
Genomic context (GRCh38, chr15:48,487,090, plus strand): 5'-TAAAGTAAAATAAAATAAAATAAAATAAAATAAAAAAGAACTTACCAACACAAAATAGCC[T>C]ATCGGGAGTTGAATGGTAGCCAGGGTTGCAGGCACACTGATACTTCCCTATGAGGTTCAC-3'
Protein context (NP_000129.3, residues 1182-1202): CNPGYHSTPD[Arg1192Gly]LFCVDIDECS

ClinVar aggregate classification (germline): Uncertain significance. Review status: criteria provided, multiple submitters, no conflicts (2 of 4 stars). 8 submissions from 3 submitters: Uncertain significance (7). 1 of the submissions does not count toward it. Last evaluated 2023-05-30.

Conditions:
Weill-Marchesani syndrome. Also called: WM Syndrome; Mesodermal dysmorphodystrophy congenital. Identifiers: Orphanet 3449, MedGen C0265313, MONDO:0018096.
Familial thoracic aortic aneurysm and aortic dissection (TAAD). Also called: Thoracic aortic aneurysms and dissections. Identifiers: Orphanet 91387, MedGen C4707243, MONDO:0019625.
Acromicric dysplasia (ACMICD). Also called: Acromicric skeletal dysplasia. Identifiers: Orphanet 969, MedGen C0265287, MONDO:0007055, OMIM 102370.
FBN1-related disorder. Also called: FBN1-related disorders.
Marfan syndrome (MFS). Also called: Marfan syndrome, classic; Marfan syndrome type 1; Marfan's syndrome; FBN1-Related Marfan Syndrome; MARFAN SYNDROME, TYPE I. Identifiers: Orphanet 284963, Orphanet 558, MedGen C0024796, MONDO:0007947, OMIM 154700.
Stiff skin syndrome (SSKS). Identifiers: Orphanet 2833, MedGen C1861456, MONDO:0008492, OMIM 184900.
Ectopia lentis 1, isolated, autosomal dominant (ECTOL1). Identifiers: Orphanet 1885, MedGen C3541518, MONDO:0007514, OMIM 129600.

Allele frequency attached by ClinVar (database versions not stated): TOPMed below 0.00001; gnomAD exomes below 0.00001.
gnomAD v4.1: 2 of 1,612,386 alleles (0.00012%); highest among the groups gnomAD compares: Non-Finnish European, 0.00017%; no homozygotes.

Submissions (8):

All of Us Research Program, National Institutes of Health
Classification: Uncertain significance for Marfan syndrome. Last evaluated: 2023-05-30. Review status: criteria provided, single submitter. Criteria: ACMG Guidelines, 2015. Collection method: clinical testing. Allele origin: germline. Inheritance: Autosomal dominant inheritance. Observed: 1 variant allele, 1 heterozygote.
Comment: This missense variant replaces arginine with glycine at codon 1192 of the FBN1 protein. Computational prediction suggests that this variant may not impact protein structure and function (internally defined REVEL score threshold <= 0.5, PMID: 27666373). To our knowledge, functional studies have not been reported for this variant. This variant has not been reported in individuals affected with FBN1-related disorders in the literature. This variant has not been identified in the general population by the Genome Aggregation Database (gnomAD). The available evidence is insufficient to determine the role of this variant in disease conclusively. Therefore, this variant is classified as a Variant of Uncertain Significance.

This study involves interpretation of variants in research participants for the purpose of population health screening. Participant phenotype was not available at the time of variant classification. Additional details can be found in publication PMID: 35346344, PMCID: PMC8962531

Illumina Laboratory Services, Illumina
Classification: Uncertain significance for Marfan syndrome. Last evaluated: 2017-04-27. Review status: criteria provided, single submitter. Criteria: ICSL Variant Classification Criteria 13 December 2019. Collection method: clinical testing. Allele origin: germline.

Illumina Laboratory Services, Illumina
Classification: Uncertain significance for Weill-Marchesani syndrome. Last evaluated: 2017-04-27. Review status: criteria provided, single submitter. Criteria: ICSL Variant Classification Criteria 13 December 2019. Collection method: clinical testing. Allele origin: germline.

Illumina Laboratory Services, Illumina
Classification: Uncertain significance for Familial thoracic aortic aneurysm and aortic dissection. Last evaluated: 2017-04-27. Review status: criteria provided, single submitter. Criteria: ICSL Variant Classification Criteria 13 December 2019. Collection method: clinical testing. Allele origin: germline.

Illumina Laboratory Services, Illumina
Classification: Uncertain significance for Ectopia lentis 1, isolated, autosomal dominant. Last evaluated: 2017-04-27. Review status: criteria provided, single submitter. Criteria: ICSL Variant Classification Criteria 13 December 2019. Collection method: clinical testing. Allele origin: germline.

Illumina Laboratory Services, Illumina
Classification: Uncertain significance for Stiff skin syndrome. Last evaluated: 2017-04-27. Review status: criteria provided, single submitter. Criteria: ICSL Variant Classification Criteria 13 December 2019. Collection method: clinical testing. Allele origin: germline.

Illumina Laboratory Services, Illumina
Classification: Uncertain significance for Acromicric dysplasia. Last evaluated: 2017-04-27. Review status: criteria provided, single submitter. Criteria: ICSL Variant Classification Criteria 13 December 2019. Collection method: clinical testing. Allele origin: germline.

PreventionGenetics, part of Exact Sciences
Classification: Uncertain significance for FBN1-related condition. Last evaluated: 2023-11-29. Review status: no assertion criteria provided. Collection method: clinical testing. Allele origin: germline. Not counted in ClinVar's aggregate classification.
Comment: The FBN1 c.3574A>G variant is predicted to result in the amino acid substitution p.Arg1192Gly. To our knowledge, this variant has not been reported in the literature or in a large population database, indicating this variant is rare. At this time, the clinical significance of this variant is uncertain due to the absence of conclusive functional and genetic evidence.